The following is an entry in ClinVar:

ClinVar aggregate classification (germline): Uncertain significance (1 of 4 stars; one submission).

Submission:

CeGaT Center for Human Genetics Tuebingen
Classification: Uncertain significance. Last evaluated: 2025-11-01. Review status: criteria provided, single submitter. Criteria: CeGaT Center For Human Genetics Tuebingen Variant Classification Criteria Version 2. Collection method: clinical testing. Allele origin: germline. Affected: yes. Observed: 1 variant allele.
Comment: STAB1: PM2

NM_015136.3(STAB1):c.575G>A (p.Cys192Tyr)

Gene: STAB1 (stabilin 1; plus strand). Cytogenetic location: 3p21.1.
Variant type: single nucleotide variant.
Coding change: c.575G>A on transcript NM_015136.3 (MANE Select); coding-DNA position 575, G replaced by A.
Protein change: p.Cys192Tyr; replaces cysteine 192 with tyrosine.
Molecular consequence: missense variant.
Genome position (GRCh38, 1-based): chr3:52,502,719, G>A. VCF-style: chr3-52502719-G-A. GRCh37 (hg19) VCF-style: chr3-52536735-G-A.
Other names: short protein forms C192Y.
Identifiers: ClinVar variation 4535389 (VCV004535389.6).